The following is an entry in ClinVar:

NM_000642.3(AGL):c.3416T>G (p.Leu1139Arg)

Gene: AGL (amylo-alpha-1,6-glucosidase and 4-alpha-glucanotransferase; plus strand). Cytogenetic location: 1p21.2.
Variant type: single nucleotide variant.
Coding change: c.3416T>G on transcript NM_000642.3 (MANE Select); coding-DNA position 3416, T replaced by G.
Protein change: p.Leu1139Arg; replaces leucine 1139 with arginine.
Molecular consequence: missense variant.
Genome position (GRCh38, 1-based): chr1:99,900,689, T>G. VCF-style: chr1-99900689-T-G. GRCh37 (hg19) VCF-style: chr1-100366245-T-G.
Other names: c.3395T>G, p.Leu1132Arg (NM_001425326.1); c.3215T>G, p.Leu1072Arg (NM_001425327.1); c.3212T>G, p.Leu1071Arg (NM_001425328.1); c.3077T>G, p.Leu1026Arg (NM_001425329.1); c.3038T>G, p.Leu1013Arg (NM_001425332.1); c.3416T>G, p.Leu1139Arg (NM_000028.3, NM_000643.3, NM_000644.3 and 1 more transcripts); c.3368T>G, p.Leu1123Arg (NM_000646.3); short protein forms L1139R, L1123R, L1013R, L1026R, L1071R, L1072R, L1132R.
Identifiers: ClinVar variation 526591 (VCV000526591.6), dbSNP rs1281040074, ClinGen allele CA341330990.
Genomic context (GRCh38, chr1:99,900,689, plus strand): 5'-GTTTTAGGAATATTATTTTAGCATTTGCGGGTACCCTGAGGCATGGTCTCATTCCTAATC[T>G]ACTGGGTGAAGGAATTTATGCCAGATACAATTGTCGGGATGCTGTGTGGTGGTGGCTGCA-3'
Protein context (NP_000633.2, residues 1129-1149): GTLRHGLIPN[Leu1139Arg]LGEGIYARYN

ClinVar aggregate classification (germline): Uncertain significance (1 of 4 stars; one submission).

Conditions:
Glycogen storage disease type III (GSD3). Also called: Cori disease; FORBES DISEASE. Identifiers: Orphanet 366, MedGen C0017922, MONDO:0009291, OMIM 232400.

Allele frequency attached by ClinVar (database versions not stated): TOPMed below 0.00001; gnomAD 0.00001.
gnomAD v4.1: 1 of 1,614,048 alleles (0.000062%); highest among the groups gnomAD compares: Non-Finnish European, 0.000085%; no homozygotes.

Submission:

Labcorp Genetics (formerly Invitae), Labcorp
Classification: Uncertain significance for Glycogen storage disease type III. Last evaluated: 2021-08-31. Review status: criteria provided, single submitter. Criteria: Invitae Variant Classification Sherloc (09022015). Collection method: clinical testing. Allele origin: germline.
Comment: This sequence change replaces leucine with arginine at codon 1139 of the AGL protein (p.Leu1139Arg). The leucine residue is highly conserved and there is a moderate physicochemical difference between leucine and arginine. This variant is not present in population databases (ExAC no frequency). This variant has not been reported in the literature in individuals affected with AGL-related conditions. Algorithms developed to predict the effect of missense changes on protein structure and function are either unavailable or do not agree on the potential impact of this missense change (SIFT: "Deleterious"; PolyPhen-2: "Probably Damaging"; Align-GVGD: "Class C0"). In summary, the available evidence is currently insufficient to determine the role of this variant in disease. Therefore, it has been classified as a Variant of Uncertain Significance.